The following is an entry in ClinVar:

ClinVar aggregate classification (germline): Pathogenic/Likely pathogenic. Review status: criteria provided, multiple submitters, no conflicts (2 of 4 stars). 3 submissions from 3 submitters: Pathogenic (2); Likely pathogenic (1). Last evaluated 2024-04-04.

Conditions:
Niemann-Pick disease, type A. Also called: Infantile Neurovisceral ASMD (Niemann-Pick Disease Type A; NPD-A); SPHINGOMYELIN LIPIDOSIS; SPHINGOMYELINASE DEFICIENCY. Identifiers: Orphanet 77292, MedGen C0268242, MONDO:0009756, OMIM 257200. Disease mechanism: loss of function.
Niemann-Pick disease, type B. Also called: Chronic Visceral ASMD (Niemann-Pick Disease Type B; NPD-B). Identifiers: Orphanet 77293, MedGen C0268243, MONDO:0011871, OMIM 607616. Disease mechanism: loss of function.

Submissions (3):

Genomic Medicine Center of Excellence, King Faisal Specialist Hospital and Research Centre
Classification: Likely pathogenic for Niemann-Pick disease, type A. Last evaluated: 2024-04-04. Review status: criteria provided, single submitter. Criteria: ACMG Guidelines, 2015. Collection method: clinical testing. Allele origin: germline.

Labcorp Genetics (formerly Invitae), Labcorp
Classification: Pathogenic for Niemann-Pick disease, type B; Niemann-Pick disease, type A. Last evaluated: 2023-07-22. Review status: criteria provided, single submitter. Criteria: Invitae Variant Classification Sherloc (09022015). Collection method: clinical testing. Allele origin: germline.
Comment: This sequence change replaces proline, which is neutral and non-polar, with serine, which is neutral and polar, at codon 373 of the SMPD1 protein (p.Pro373Ser). This variant is not present in population databases (gnomAD no frequency). For these reasons, this variant has been classified as Pathogenic. Advanced modeling of protein sequence and biophysical properties (such as structural, functional, and spatial information, amino acid conservation, physicochemical variation, residue mobility, and thermodynamic stability) performed at Invitae indicates that this missense variant is expected to disrupt SMPD1 protein function. ClinVar contains an entry for this variant (Variation ID: 496822). This variant is also known as P371S. This missense change has been observed in individual(s) with Niemann-Pick disease (PMID: 22818240).

Eurofins Ntd Llc (ga)
Classification: Pathogenic. Last evaluated: 2017-03-03. Review status: criteria provided, single submitter. Criteria: EGL Classification Definitions 2015. Collection method: clinical testing. Allele origin: germline. Observed: 1 variant allele, 1 homozygote.

Literature cited by the submitters: PubMed 22818240 (cited by Labcorp Genetics (formerly Invitae), Labcorp).

NM_000543.5(SMPD1):c.1117C>T (p.Pro373Ser)

Gene: SMPD1 (sphingomyelin phosphodiesterase 1; plus strand). Cytogenetic location: 11p15.4.
Variant type: single nucleotide variant.
Coding change: c.1117C>T on transcript NM_000543.5 (MANE Select); coding-DNA position 1117, C replaced by T.
Protein change: p.Pro373Ser; replaces proline 373 with serine.
Molecular consequence: missense variant. On other transcripts: non-coding transcript variant (1), intron variant (1).
Genome position (GRCh38, 1-based): chr11:6,393,241, C>T. VCF-style: chr11-6393241-C-T. GRCh37 (hg19) VCF-style: chr11-6414471-C-T.
Other names: c.1114C>T, p.Pro372Ser (NM_001007593.3); c.1117C>T, p.Pro373Ser (NM_001318087.2); c.196C>T, p.Pro66Ser (NM_001318088.2); c.1132-376C>T (NM_001365135.2); short protein forms P373S, P66S, P372S.
Identifiers: ClinVar variation 496822 (VCV000496822.9), dbSNP rs1342372980, ClinGen allele CA379372866.